The following is an entry in ClinVar:

ClinVar aggregate classification (germline): Uncertain significance (1 of 4 stars; one submission).

Conditions:
Cardiovascular phenotype. Identifiers: MedGen CN230736.

Allele frequency attached by ClinVar (database versions not stated): gnomAD exomes 0.00001.

Submission:

Ambry Genetics
Classification: Uncertain significance for Cardiovascular phenotype. Last evaluated: 2025-04-02. Review status: criteria provided, single submitter. Criteria: Ambry Variant Classification Scheme 2023. Collection method: clinical testing. Allele origin: germline.
Comment: The p.A158S variant (also known as c.472G>T), located in coding exon 1 of the CHST14 gene, results from a G to T substitution at nucleotide position 472. The alanine at codon 158 is replaced by serine, an amino acid with similar properties. This amino acid position is conserved. In addition, this alteration is predicted to be deleterious by in silico analysis. Based on the available evidence, the clinical significance of this variant remains unclear.

NM_130468.4(CHST14):c.472G>T (p.Ala158Ser)

Gene: CHST14 (carbohydrate sulfotransferase 14; plus strand). Cytogenetic location: 15q15.1.
Variant type: single nucleotide variant.
Coding change: c.472G>T on transcript NM_130468.4 (MANE Select); coding-DNA position 472, G replaced by T.
Protein change: p.Ala158Ser; replaces alanine 158 with serine.
Molecular consequence: missense variant.
Genome position (GRCh38, 1-based): chr15:40,471,685, G>T. VCF-style: chr15-40471685-G-T. GRCh37 (hg19) VCF-style: chr15-40763884-G-T.
Other names: short protein forms A158S.
Identifiers: ClinVar variation 2528960 (VCV002528960.3), dbSNP rs1326303873, ClinGen allele CA391765887.
Genomic context (GRCh38, chr15:40,471,685, plus strand): 5'-CTGCGCCACATCCTCGTAAGTGACCGTTACCGCTTCCTCTACTGCTACGTCCCCAAGGTG[G>T]CCTGCTCTAACTGGAAGCGGGTGATGAAGGTGCTGGCAGGCGTCCTGGACAGCGTGGACG-3'
Protein context (NP_569735.1, residues 148-168): RFLYCYVPKV[Ala158Ser]CSNWKRVMKV